The following is an entry in ClinVar:

ClinVar aggregate classification (germline): Uncertain significance. Review status: criteria provided, multiple submitters, no conflicts (2 of 4 stars). 2 submissions from 2 submitters: Uncertain significance (2). Last evaluated 2026-09-08.

Conditions:
Fabry disease. Also called: Fabry's disease; ALPHA-GALACTOSIDASE A DEFICIENCY; ANDERSON-FABRY DISEASE; CERAMIDE TRIHEXOSIDASE DEFICIENCY; GLA DEFICIENCY; HEREDITARY DYSTOPIC LIPIDOSIS. Identifiers: Orphanet 324, MedGen C0002986, MONDO:0010526, OMIM 301500, HP:0001071. Disease mechanism: Fabry disease is due to inactivating mutations in the X-linked GLA gene resulting in deficiency of the enzyme Alpha Galactosidase-A., loss of function.

Submissions (2):

Genomenon, Inc
Classification: Uncertain significance for Fabry disease. Last evaluated: 2026-09-08. Review status: criteria provided, single submitter. Criteria: Genomenon Sequence Variant Interpretation Standards - Updated. Collection method: curation. Allele origin: germline. Affected: yes.
Comment: GLA p.Pro210Ser (c.628C>T) is a missense variant that changes the amino acid at codon 210 from Proline to Serine. This variant has been observed in at least one proband with clinical features consistent with Fabry disease (PMID:32843101). Functional or patient cell studies have been reported (PMID:24386359;31036492;32843101;28615118;30380558;27896103;31956509;27657681). It is absent or not present at a significant frequency in gnomAD. In conclusion, we classify GLA p.Pro210Ser (c.628C>T) as a variant of uncertain significance.

Women's Health and Genetics/Laboratory Corporation of America, LabCorp
Classification: Uncertain significance. Last evaluated: 2025-06-05. Review status: criteria provided, single submitter. Criteria: LabCorp Variant Classification Summary - May 2015. Collection method: clinical testing. Allele origin: germline.
Comment: Variant summary: GLA c.628C>T (p.Pro210Ser) results in a non-conservative amino acid change in the encoded protein sequence. Algorithms developed to predict the effect of missense changes on protein structure and function all suggest that this variant is likely to be disruptive. The variant was absent in 179766 control chromosomes (gnomAD). c.628C>T has been observed in individuals affected with features of Fabry Disease, as well as newborn screening cases with deficient GLA enzyme activity (e.g., Takahashi_2015, Liao_2018, Lin_2018, Yoshida_2020). These data indicate that the variant may be associated with disease. At least one publication reports experimental evidence evaluating an impact on protein function, finding that the variant resulted in ~88% of normal activity in vitro (Liao_2018). The following publications have been ascertained in the context of this evaluation (PMID: 24386359, 25295576, 28615118, 30380558, 31956509, 32843101). No submitters have cited clinical-significance assessments for this variant to ClinVar. Based on the evidence outlined above, the variant was classified as VUS-possibly pathogenic.

Literature cited by the submitters: PubMed 32843101 (cited by Genomenon, Inc and Women's Health and Genetics/Laboratory Corporation of America, LabCorp); PubMed 24386359 (cited by Genomenon, Inc and Women's Health and Genetics/Laboratory Corporation of America, LabCorp); PubMed 31036492 (cited by Genomenon, Inc); PubMed 28615118 (cited by Genomenon, Inc and Women's Health and Genetics/Laboratory Corporation of America, LabCorp); PubMed 30380558 (cited by Genomenon, Inc and Women's Health and Genetics/Laboratory Corporation of America, LabCorp); PubMed 27896103 (cited by Genomenon, Inc); PubMed 31956509 (cited by Genomenon, Inc and Women's Health and Genetics/Laboratory Corporation of America, LabCorp); PubMed 27657681 (cited by Genomenon, Inc); PubMed 25295576 (cited by Women's Health and Genetics/Laboratory Corporation of America, LabCorp).

NM_000169.3(GLA):c.628C>T (p.Pro210Ser)

Genes: GLA (galactosidase alpha; minus strand), RPL36A-HNRNPH2 (RPL36A-HNRNPH2 readthrough; plus strand). Cytogenetic location: Xq22.1.
Variant type: single nucleotide variant.
Coding change: c.628C>T on transcript NM_000169.3 (MANE Select); coding-DNA position 628, C replaced by T.
Protein change: p.Pro210Ser; replaces proline 210 with serine.
Molecular consequence: missense variant. On other transcripts: non-coding transcript variant (2), intron variant (2).
Genome position (GRCh38, 1-based): chrX:101,400,677, G>A on the plus strand (C>T on the coding strand, the complement: GLA is on the minus strand). VCF-style: chrX-101400677-G-A. GRCh37 (hg19) VCF-style: chrX-100655665-G-A.
Other names: c.751C>T, p.Pro251Ser (NM_001406747.1); c.628C>T, p.Pro210Ser (NM_001406748.1); c.300+5220G>A (NM_001199973.2); c.177+8855G>A (NM_001199974.2); short protein forms P210S, P251S.
Identifiers: ClinVar variation 3907361 (VCV003907361.3).